The following is an entry in ClinVar:

NM_006996.3(SLC19A2):c.286C>T (p.Arg96Cys)

Gene: SLC19A2 (solute carrier family 19 member 2; minus strand). Cytogenetic location: 1q24.2.
Variant type: single nucleotide variant.
Coding change: c.286C>T on transcript NM_006996.3 (MANE Select); coding-DNA position 286, C replaced by T.
Protein change: p.Arg96Cys; replaces arginine 96 with cysteine.
Molecular consequence: missense variant. On other transcripts: intron variant (1).
Genome position (GRCh38, 1-based): chr1:169,477,676, G>A on the plus strand (C>T on the coding strand, the complement: SLC19A2 is on the minus strand). VCF-style: chr1-169477676-G-A. GRCh37 (hg19) VCF-style: chr1-169446914-G-A.
Other names: c.205-7490C>T (NM_001319667.1); short protein forms R96C.
Identifiers: ClinVar variation 2165483 (VCV002165483.2), dbSNP rs751347686, ClinGen allele CA1233094.

ClinVar aggregate classification (germline): Uncertain significance. Review status: criteria provided, multiple submitters, no conflicts (2 of 4 stars). 2 submissions from 2 submitters: Uncertain significance (2). Last evaluated 2024-06-11.

Conditions:
Megaloblastic anemia, thiamine-responsive, with diabetes mellitus and sensorineural deafness (TRMA). Also called: THIAMINE METABOLISM DYSFUNCTION SYNDROME 1 (MEGALOBLASTIC ANEMIA, DIABETES MELLITUS, AND DEAFNESS TYPE); THIAMINE-RESPONSIVE ANEMIA SYNDROME; THIAMINE-RESPONSIVE MYELODYSPLASIA; ROGERS SYNDROME; Thiamine-Responsive Megaloblastic Anemia Syndrome. Identifiers: Orphanet 49827, MedGen C0342287, MONDO:0009575, OMIM 249270.

Allele frequency attached by ClinVar (database versions not stated): gnomAD exomes 0.00001; ExAC 0.00003; gnomAD 0.00003; TOPMed 0.00003.

Submissions (2):

Fulgent Genetics
Classification: Uncertain significance for Megaloblastic anemia, thiamine-responsive, with diabetes mellitus and sensorineural deafness. Last evaluated: 2024-06-11. Review status: criteria provided, single submitter. Criteria: ACMG Guidelines, 2015. Collection method: clinical testing. Allele origin: germline.

Labcorp Genetics (formerly Invitae), Labcorp
Classification: Uncertain significance. Last evaluated: 2022-01-15. Review status: criteria provided, single submitter. Criteria: Invitae Variant Classification Sherloc (09022015). Collection method: clinical testing. Allele origin: germline.
Comment: This sequence change replaces arginine, which is basic and polar, with cysteine, which is neutral and slightly polar, at codon 96 of the SLC19A2 protein (p.Arg96Cys). This variant is present in population databases (rs751347686, gnomAD 0.007%). This variant has not been reported in the literature in individuals affected with SLC19A2-related conditions. Algorithms developed to predict the effect of missense changes on protein structure and function are either unavailable or do not agree on the potential impact of this missense change (SIFT: "Tolerated"; PolyPhen-2: "Possibly Damaging"; Align-GVGD: "Class C0"). In summary, the available evidence is currently insufficient to determine the role of this variant in disease. Therefore, it has been classified as a Variant of Uncertain Significance.